The following is an entry in ClinVar:

ClinVar aggregate classification (germline): Uncertain significance (1 of 4 stars; one submission).

Conditions:
Cognitive impairment - coarse facies - heart defects - obesity - pulmonary involvement - short stature - skeletal dysplasia syndrome. Also called: AFF4-Related CHOPS Syndrome; COGNITIVE IMPAIRMENT, COARSE FACIES, HEART DEFECTS, OBESITY, PULMONARY INVOLVEMENT, SHORT STATURE, AND SKELETAL DYSPLASIA; Chops syndrome. Identifiers: Orphanet 444077, MedGen C4085597, MONDO:0014609, OMIM 616368.

gnomAD v4.1: 2 of 1,614,184 alleles (0.00012%); highest among the groups gnomAD compares: Middle Eastern, 0.016%; no homozygotes.

Submission:

Labcorp Genetics (formerly Invitae), Labcorp
Classification: Uncertain significance for Cognitive impairment - coarse facies - heart defects - obesity - pulmonary involvement - short stature - skeletal dysplasia syndrome. Last evaluated: 2024-12-16. Review status: criteria provided, single submitter. Criteria: Invitae Variant Classification Sherloc (09022015). Collection method: clinical testing. Allele origin: germline.
Comment: This sequence change replaces isoleucine, which is neutral and non-polar, with valine, which is neutral and non-polar, at codon 613 of the AFF4 protein (p.Ile613Val). This variant is present in population databases (no rsID available, gnomAD 0.003%). This variant has not been reported in the literature in individuals affected with AFF4-related conditions. Invitae Evidence Modeling of protein sequence and biophysical properties (such as structural, functional, and spatial information, amino acid conservation, physicochemical variation, residue mobility, and thermodynamic stability) indicates that this missense variant is not expected to disrupt AFF4 protein function with a negative predictive value of 80%. In summary, the available evidence is currently insufficient to determine the role of this variant in disease. Therefore, it has been classified as a Variant of Uncertain Significance.

NM_014423.4(AFF4):c.1837A>G (p.Ile613Val)

Gene: AFF4 (ALF transcription elongation factor 4; minus strand). Cytogenetic location: 5q31.1.
Variant type: single nucleotide variant.
Coding change: c.1837A>G on transcript NM_014423.4 (MANE Select); coding-DNA position 1837, A replaced by G.
Protein change: p.Ile613Val; replaces isoleucine 613 with valine.
Molecular consequence: missense variant.
Genome position (GRCh38, 1-based): chr5:132,896,793, T>C on the plus strand (A>G on the coding strand, the complement: AFF4 is on the minus strand). VCF-style: chr5-132896793-T-C. GRCh37 (hg19) VCF-style: chr5-132232485-T-C.
Other names: short protein forms I613V.
Identifiers: ClinVar variation 3621208 (VCV003621208.2).
Genomic context (GRCh38, chr5:132,896,793, plus strand): 5'-TTGACTTATATTTCTTTTTCTCTGCTGTAGGTCGAGGGGAAGACTTAGACTCCTTCTTTA[T>C]ATTGGGTTTCCTTGAGCCTTTGGTGGCTGCTTTGTGTCTGCTGGAGGGCATGCTGCTAGC-3'
Protein context (NP_055238.1, residues 603-623): AATKGSRKPN[Ile613Val]KKESKSSPRP